The following is an entry in ClinVar:

NM_001182.5(ALDH7A1):c.229A>C (p.Ile77Leu)

Gene: ALDH7A1 (aldehyde dehydrogenase 7 family member A1; minus strand). Cytogenetic location: 5q23.2.
Variant type: single nucleotide variant.
Coding change: c.229A>C on transcript NM_001182.5 (MANE Select); coding-DNA position 229, A replaced by C.
Protein change: p.Ile77Leu; replaces isoleucine 77 with leucine.
Molecular consequence: missense variant.
Genome position (GRCh38, 1-based): chr5:126,593,368, T>G on the plus strand (A>C on the coding strand, the complement: ALDH7A1 is on the minus strand). VCF-style: chr5-126593368-T-G. GRCh37 (hg19) VCF-style: chr5-125929060-T-G.
Other names: c.145A>C, p.Ile49Leu (NM_001201377.2); c.229A>C, p.Ile77Leu (NM_001202404.2); short protein forms I77L, I49L.
Identifiers: ClinVar variation 3283730 (VCV003283730.2).

ClinVar aggregate classification (germline): Uncertain significance. Review status: criteria provided, multiple submitters, no conflicts (2 of 4 stars). 2 submissions from 2 submitters: Uncertain significance (2). Last evaluated 2026-04-03.

Conditions:
Inborn genetic diseases. Identifiers: MedGen C0950123, MeSH D030342.

gnomAD v4.1: 13 of 1,613,122 alleles (0.00081%); highest among the groups gnomAD compares: Non-Finnish European, 0.001%; no homozygotes.

Submissions (2):

GeneDx
Classification: Uncertain significance. Last evaluated: 2026-04-03. Review status: criteria provided, single submitter. Criteria: GeneDx Variant Classification Process June 2021. Collection method: clinical testing. Allele origin: germline.
Comment: Not observed at significant frequency in large population cohorts (gnomAD); In silico analysis suggests that this missense variant does not alter protein structure/function; Has not been previously published as pathogenic or benign to our knowledge

Ambry Genetics
Classification: Uncertain significance for Inborn genetic diseases. Last evaluated: 2024-05-21. Review status: criteria provided, single submitter. Criteria: Ambry Variant Classification Scheme 2023. Collection method: clinical testing. Allele origin: germline.